The following is an entry in ClinVar:

ClinVar aggregate classification (germline): Pathogenic. Review status: criteria provided, multiple submitters, no conflicts (2 of 4 stars). 18 submissions from 17 submitters: Pathogenic (13). 5 of the submissions do not count toward it. Last evaluated 2026-01-29.

Conditions:
Hyperinsulinemic hypoglycemia, familial, 1 (HHF1). Also called: Persistent Hyperinsulinemia Hypoglycemia of Infancy; Persistent hyperinsulinemic hypoglycemia of infancy; HYPERINSULINISM, FAMILIAL, WITH PANCREATIC NESIDIOBLASTOSIS; HYPOGLYCEMIA, HYPERINSULINEMIC, OF INFANCY; NESIDIOBLASTOSIS OF PANCREAS. Identifiers: Orphanet 276575, Orphanet 276598, MedGen C2931832, MONDO:0009734, OMIM 256450.
Leucine-induced hypoglycemia (LIH). Also called: LEUCINE-SENSITIVE HYPOGLYCEMIA OF INFANCY. Identifiers: MedGen C0271714, MONDO:0009415, OMIM 240800.
Diabetes mellitus, transient neonatal, 2 (TNDM2). Identifiers: Orphanet 99886, MedGen C1835887, MONDO:0012480, OMIM 610374. Disease mechanism: loss of function.
Type 2 diabetes mellitus. Also called: Type II diabetes mellitus. Identifiers: MedGen C0011860, MeSH D003924, MONDO:0005148, OMIM 125853, HP:0005978.
Diabetes mellitus, permanent neonatal 3. Also called: ABCC8-Related Permanent Neonatal Diabetes Mellitus. Identifiers: MedGen C5394303, MONDO:0030088, OMIM 618857.
ABCC8-related disorder.
Hereditary hyperinsulinism.
Maturity-onset diabetes of the young (MODY). Also called: Maturity onset diabetes mellitus in young. Identifiers: Orphanet 552, MedGen C0342276, MONDO:0018911, HP:0004904.
Familial hyperinsulinism. Also called: Congenital hyperinsulinism. Identifiers: Orphanet 276525, MedGen C3888018, MONDO:0017182. Disease mechanism: loss of function.

Submissions 1 to 10 of 18:

Labcorp Genetics (formerly Invitae), Labcorp
Classification: Pathogenic. Last evaluated: 2026-01-29. Review status: criteria provided, single submitter. Criteria: Invitae Variant Classification Sherloc (09022015). Collection method: clinical testing. Allele origin: germline.
Comment: This variant, c.4160_4162del, results in the deletion of 1 amino acid(s) of the ABCC8 protein (p.Phe1387del), but otherwise preserves the integrity of the reading frame. This variant is present in population databases (rs771251369, gnomAD 0.04%). This variant has been observed in individuals with autosomal recessive hyperinsulinism and/or hyperinsulinism (PMID: 8923011, 9618169, 23275527). It has also been observed to segregate with disease in related individuals. This variant is also known as delF1388. ClinVar contains an entry for this variant (Variation ID: 196880). Algorithms developed to predict the effect of variants on gene product structure and function are not available or were not evaluated for this variant. Experimental studies have shown that this variant affects ABCC8 function (PMID: 8923011, 11226335). For these reasons, this variant has been classified as Pathogenic.

Natera, Inc.
Classification: Pathogenic for Hereditary hyperinsulinism. Last evaluated: 2025-09-18. Review status: criteria provided, single submitter. Criteria: Natera Variant Classification Schema (03/2026). Collection method: clinical testing. Allele origin: germline.
Comment: The c.4160_4162delTCT variant in ABCC8 is an in-frame deletion predicted to remove phenylalanine at amino acid 1387 while preserving the reading frame. This variant is rare in the general population with a frequency below the threshold expected for the associated phenotype(s). This variant has been observed in one or more individuals affected with the associated recessive disease, as either homozygous or compound heterozygous with a second variant (PMID: 23327786, 23275527, 17893264). Additionally, this variant has been observed to segregate in affected family members (PMID: 8923011). This variant results in a change to the protein length while preserving reading frame, which may disrupt normal protein structure or function. Computational prediction algorithms indicate this variant is likely to affect gene or protein function. Given the available evidence, this variant is classified as Pathogenic.

Variantyx, Inc.
Classification: Pathogenic for Hyperinsulinemic hypoglycemia, familial, 1. Last evaluated: 2025-07-24. Review status: criteria provided, single submitter. Criteria: Variantyx Assertion Criteria 2022. Collection method: clinical testing. Allele origin: germline. Inheritance: Autosomal dominant inheritance. Affected: no.
Comment: This is an inframe substitution variant in the ABCC8 gene (OMIM: 600509). Pathogenic variants in this gene have been associated with autosomal recessive familial hyperinsulinemic hypoglycemia 1. This variant causes an in-frame deletion of a single amino acid at position 1387 of the ABCC8 protein (PM4_Supporting). It is an established founder variant in the Ashkenazi Jewish population (PMID: 21716120, 8923011, 9618169, 21989597) (PS4). Functional studies have shown that this variant alters ABCC8 protein function (PMID: 8923011, 11226335, 9648840) (PS3). It has a 0.0013% maximum allele frequency in non-founder control populations (PM2). Based on the current evidence, this variant is classified as pathogenic for autosomal recessive familial hyperinsulinemic hypoglycemia 1.

GeneDx
Classification: Pathogenic. Last evaluated: 2024-08-12. Review status: criteria provided, single submitter. Criteria: GeneDx Variant Classification Process June 2021. Collection method: clinical testing. Allele origin: germline. Affected: yes.
Comment: In-frame deletion of one amino acid in a non-repeat region; Published functional studies demonstrate defective K(ATP) channel trafficking, resulting in lack of channel expression on the cell surface (PMID: 11226335); In silico analysis supports a deleterious effect on protein structure/function; Also known as deltaF1387; This variant is associated with the following publications: (PMID: 15562009, 20672374, 9648840, 24374108, 27065010, 8923011, 16357843, 9618169, 31589614, 36208030, 11226335, 21716120)

Revvity Omics, Revvity
Classification: Pathogenic. Last evaluated: 2024-06-21. Review status: criteria provided, single submitter. Criteria: ACMG Guidelines, 2015. Collection method: clinical testing. Allele origin: germline.

Fulgent Genetics
Classification: Pathogenic for Type 2 diabetes mellitus; Leucine-induced hypoglycemia; Hyperinsulinemic hypoglycemia, familial, 1; Diabetes mellitus, transient neonatal, 2; Diabetes mellitus, permanent neonatal 3. Last evaluated: 2024-05-02. Review status: criteria provided, single submitter. Criteria: ACMG Guidelines, 2015. Collection method: clinical testing. Allele origin: germline.

Baylor Genetics
Classification: Pathogenic for Type 2 diabetes mellitus. Last evaluated: 2023-12-21. Review status: criteria provided, single submitter. Criteria: ACMG Guidelines, 2015. Collection method: clinical testing. Allele origin: unknown.

Broad Center for Mendelian Genomics, Broad Institute of MIT and Harvard
Classification: Pathogenic for Hyperinsulinemic hypoglycemia, familial, 1. Last evaluated: 2023-08-16. Review status: criteria provided, single submitter. Criteria: ACMG Guidelines, 2015. Collection method: curation. Allele origin: germline. Inheritance: Autosomal recessive inheritance.
Comment: The p.Phe1387del variant in ABCC8 has been reported in >10 individuals with hyperinsulinemic hypoglycemia (PMID: 11999683, 33861964, 23327786, 8923011, 9618169, 31997554, 9648840, 23275527), and has been identified in 0.06% (6/9450) of Ashkenazi Jewish chromosomes by the Genome Aggregation Database (gnomAD; dbSNP rs151344624). Although this variant has been seen in the general population in a heterozygous state, its frequency is not high enough to rule out a pathogenic role. This variant has also been reported in ClinVar (Variation ID: 196880) and has been interpreted as pathogenic by multiple sources. Of the many affected individuals, at least 7 were compound heterozygotes that carried a reported pathogenic variant in unknown phase, which increases the likelihood that the p.Phe1387del variant is pathogenic (Variation ID: 9088; PMID: 8923011). In vitro functional studies provide some evidence that the p.Phe1387del variant may impact protein function (PMID: 11226335, 8923011, 9648840). However, these types of assays may not accurately represent biological function. This variant is a deletion of 1 amino acid at position 1387 and is not predicted to alter the protein reading-frame. It is unclear if this deletion will impact the protein. In summary, this variant meets criteria to be classified as pathogenic for autosomal recessive hyperinsulinemic hypoglycemia. ACMG/AMP Criteria applied: PM3_very_strong, PS3, PM4_supporting (Richards 2015).

New York Genome Center
Classification: Pathogenic for Hyperinsulinemic hypoglycemia, familial, 1. Last evaluated: 2022-02-08. Review status: criteria provided, single submitter. Criteria: NYGC Assertion Criteria 2020. Collection method: clinical testing. Allele origin: germline. Observed: 1 heterozygote.

Myriad Genetics, Inc.
Classification: Pathogenic for Hyperinsulinemic hypoglycemia, familial, 1. Last evaluated: 2019-12-04. Review status: criteria provided, single submitter. Criteria: Myriad Women's Health Autosomal Recessive and X-Linked Classification Criteria (2019). Collection method: clinical testing. Allele origin: unknown.
Comment: NM_000352.3(ABCC8):c.4160_4162delTCT(F1387del) is classified as pathogenic in the context of ABCC8-related familial hyperinsulinism. Sources cited for classification include the following: PMID 9648840, 21716120, 9618169, 11999683, 11226335, 10447255 and 8923011. Classification of NM_000352.3(ABCC8):c.4160_4162delTCT(F1387del) is based on the following criteria: This is a well-established pathogenic variant in the literature that has been observed more frequently in patients with clinical diagnoses than in healthy populations. Please note: this variant was assessed in the context of healthy population screening.

NM_000352.6(ABCC8):c.4160_4162del (p.Phe1387del)

Gene: ABCC8 (ATP binding cassette subfamily C member 8; minus strand). Cytogenetic location: 11p15.1.
Variant type: Deletion.
Coding change: c.4160_4162del on transcript NM_000352.6 (MANE Select); coding-DNA positions 4160 to 4162, 3 bases deleted (TCT; older notation c.4160_4162delTCT).
Protein change: p.Phe1387del; deletes phenylalanine 1387.
Molecular consequence: inframe deletion. On other transcripts: non-coding transcript variant (1).
Genome position (GRCh38, 1-based): chr11:17,395,888-17,395,890, AGA deleted on the plus strand (TCT on the coding strand, the reverse complement: ABCC8 is on the minus strand); deleting any 3 consecutive bases within chr11:17,395,888-17,395,892 gives the same sequence; the c. name uses the placement nearest the transcript's 3' end. VCF-style (leftmost placement, unchanged base first): chr11-17395887-GAGA-G. GRCh37 (hg19) VCF-style: chr11-17417434-GAGA-G.
Other names: ABCC8, 3-BP DEL, PHE1388DEL; NM_000352.6(ABCC8):c.4160_4162del; c.4160_4162delTCT (NM_000352.3, NM_000352.4); c.4163_4165del, p.Phe1388del (NM_001287174.3); c.4226_4228del, p.Phe1409del (NM_001351295.2); c.4160_4162del, p.Phe1387del (NM_001351296.2); c.4157_4159del, p.Phe1386del (NM_001351297.2); c.4160_4162del (NM_000352.4, NM_000352.5); short protein forms F1388del, F1387del, F1409del, F1386del.
Identifiers: ClinVar variation 196880 (VCV000196880.33), dbSNP rs151344624, ClinGen allele CA248485.
Genomic context (GRCh38, chr11:17,395,887, plus strand): 5'-GTGGGGTGCCCGCCTTACAACTCACCTTCGAACGTGTCCACCATGCGGAAGAAGGCAAGA[GAGA>G]AGGAGGACTTCCCACTGCCGGTGCGGCCGCAGATCCCGATCTGGAAAGAGAGAAGCAGGC-3'